The following is an entry in ClinVar:

NM_001673.5(ASNS):c.1212C>T (p.Arg404=)

Genes: ASNS (asparagine synthetase (glutamine-hydrolyzing); minus strand), CZ1P-ASNS (CZ1P-ASNS readthrough; minus strand). Cytogenetic location: 7q21.3.
Variant type: single nucleotide variant.
Coding change: c.1212C>T on transcript NM_001673.5 (MANE Select); coding-DNA position 1212, C replaced by T.
Protein change: p.Arg404=; no amino-acid change (arginine 404 retained).
Molecular consequence: synonymous variant. On other transcripts: non-coding transcript variant (1).
Genome position (GRCh38, 1-based): chr7:97,854,606, G>A on the plus strand (C>T on the coding strand, the complement: ASNS is on the minus strand). VCF-style: chr7-97854606-G-A. GRCh37 (hg19) VCF-style: chr7-97483918-G-A.
Other names: c.1212C>T, p.Arg404= (NM_133436.3, NM_001352496.2, NM_183356.4); c.1149C>T, p.Arg383= (NM_001178075.2); c.963C>T, p.Arg321= (NM_001178076.2, NM_001178077.1).
Identifiers: ClinVar variation 765893 (VCV000765893.35), dbSNP rs771358131, ClinGen allele CA4354566.

ClinVar aggregate classification (germline): Likely benign. Review status: criteria provided, multiple submitters, no conflicts (2 of 4 stars). 3 submissions from 3 submitters: Likely benign (3). Last evaluated 2026-01-06.

Allele frequency attached by ClinVar (database versions not stated): gnomAD exomes 0.00001; ExAC 0.00002; gnomAD 0.00003 and 0.00004; TOPMed 0.00003.
gnomAD v4.1: 23 of 1,613,868 alleles (0.0014%); highest among the groups gnomAD compares: East Asian, 0.0089%; no homozygotes.

Submissions (3):

Labcorp Genetics (formerly Invitae), Labcorp
Classification: Likely benign. Last evaluated: 2026-01-06. Review status: criteria provided, single submitter. Criteria: Invitae Variant Classification Sherloc (09022015). Collection method: clinical testing. Allele origin: germline.

Blueprint Genetics
Classification: Likely benign. Last evaluated: 2023-08-01. Review status: criteria provided, single submitter. Criteria: ACMG Guidelines, 2015. Collection method: clinical testing. Allele origin: germline.

CeGaT Center for Human Genetics Tuebingen
Classification: Likely benign. Last evaluated: 2022-03-01. Review status: criteria provided, single submitter. Criteria: CeGaT Center For Human Genetics Tuebingen Variant Classification Criteria Version 2. Collection method: clinical testing. Allele origin: germline. Affected: yes. Observed: 1 variant allele.
Comment: ASNS: BP4, BP7